The following is an entry in ClinVar:

NM_014991.6(WDFY3):c.7684T>G (p.Phe2562Val)

Gene: WDFY3 (WD repeat and FYVE domain containing 3; minus strand). Cytogenetic location: 4q21.23.
Variant type: single nucleotide variant.
Coding change: c.7684T>G on transcript NM_014991.6 (MANE Select); coding-DNA position 7684, T replaced by G.
Protein change: p.Phe2562Val; replaces phenylalanine 2562 with valine.
Molecular consequence: missense variant.
Genome position (GRCh38, 1-based): chr4:84,718,492, A>C on the plus strand (T>G on the coding strand, the complement: WDFY3 is on the minus strand). VCF-style: chr4-84718492-A-C. GRCh37 (hg19) VCF-style: chr4-85639645-A-C.
Other names: short protein forms F2562V.
Identifiers: ClinVar variation 1696631 (VCV001696631.2), dbSNP rs1560592333, ClinGen allele CA357544009.
Genomic context (GRCh38, chr4:84,718,492, plus strand): 5'-AGGTTTCAATATCTCTTATTTCCCTGGTTGCTGTCATGGTAAATCCATCAATCACATAAA[A>C]ATGCTCTTTACCAAAAAGAAGGAGCCCCTCACTGGTATCTAGGCCCTGGACTCGAGCACA-3'
Protein context (NP_055806.2, residues 2552-2572): EGLLLFGKEH[Phe2562Val]YVIDGFTMTA

ClinVar aggregate classification (germline): Uncertain significance. Review status: criteria provided, multiple submitters, no conflicts (2 of 4 stars). 2 submissions from 2 submitters: Uncertain significance (2). Last evaluated 2022-10-26.

Conditions:
Microcephaly 18, primary, autosomal dominant (MCPH18). Identifiers: MedGen C4479608, MONDO:0054593, OMIM 617520.
WDFY3-related disorder.

Allele frequency attached by ClinVar (database versions not stated): gnomAD exomes below 0.00001; gnomAD 0.00001; TOPMed 0.00002.
gnomAD v4.1: 4 of 1,614,082 alleles (0.00025%); highest among the groups gnomAD compares: Admixed American, 0.0017%; no homozygotes.

Submissions (2):

PreventionGenetics, part of Exact Sciences
Classification: Uncertain significance for WDFY3-related condition. Last evaluated: 2022-10-26. Review status: criteria provided, single submitter. Criteria: ACMG Guidelines, 2015. Collection method: clinical testing. Allele origin: germline.
Comment: The WDFY3 c.7684T>G variant is predicted to result in the amino acid substitution p.Phe2562Val. To our knowledge, this variant has not been reported in the literature. This variant is reported in 0.0029% of alleles in individuals of Latino descent in gnomAD. At this time, the clinical significance of this variant is uncertain due to the absence of conclusive functional and genetic evidence.

New York Genome Center
Classification: Uncertain significance for Microcephaly 18, primary, autosomal dominant. Last evaluated: 2021-09-03. Review status: criteria provided, single submitter. Criteria: NYGC Assertion Criteria 2020. Collection method: clinical testing. Allele origin: inherited. Observed: 1 heterozygote. Study: CSER-NYCKidSeq.